The following is an entry in ClinVar:

NM_001283009.2(RTEL1):c.477+6C>T

Genes: RTEL1-TNFRSF6B (RTEL1-TNFRSF6B readthrough (NMD candidate); plus strand), RTEL1 (regulator of telomere elongation helicase 1; plus strand). Cytogenetic location: 20q13.33.
Variant type: single nucleotide variant.
Coding change: c.477+6C>T on transcript NM_001283009.2 (MANE Select); 6 bases into the intron after coding-DNA position 477, C replaced by T.
Molecular consequence: intron variant.
Genome position (GRCh38, 1-based): chr20:63,662,633, C>T. VCF-style: chr20-63662633-C-T. GRCh37 (hg19) VCF-style: chr20-62293986-C-T.
Other names: c.-193+6C>T (NM_001283010.1); c.549+6C>T (NM_032957.5); c.477+6C>T (NM_016434.4).
Identifiers: ClinVar variation 1027292 (VCV001027292.6), dbSNP rs1321816687, ClinGen allele CA746482206.

ClinVar aggregate classification (germline): Uncertain significance. Review status: criteria provided, single submitter (1 of 4 stars). 2 submissions from 2 submitters: Uncertain significance (1). 1 of the submissions does not count toward it. Last evaluated 2024-04-17.

Conditions:
Pulmonary fibrosis and/or bone marrow failure, Telomere-related, 3. Also called: PULMONARY FIBROSIS AND/OR BONE MARROW FAILURE SYNDROME, TELOMERE-RELATED, 3. Identifiers: Orphanet 2032, MedGen C4225346, MONDO:0014613, OMIM 616373.
Dyskeratosis congenita, autosomal recessive 5 (DKCB5). Identifiers: MedGen C3554656, MONDO:0014076, OMIM 615190.
Dyskeratosis congenita. Identifiers: Orphanet 1775, MedGen C0265965, MONDO:0015780.

Allele frequency attached by ClinVar (database versions not stated): gnomAD exomes below 0.00001; TOPMed 0.00002.
gnomAD v4.1: 3 of 1,613,758 alleles (0.00019%); highest among the groups gnomAD compares: South Asian, 0.0011%; no homozygotes.

Submissions (2):

Labcorp Genetics (formerly Invitae), Labcorp
Classification: Uncertain significance for Dyskeratosis congenita, autosomal recessive 5; Pulmonary fibrosis and/or bone marrow failure, Telomere-related, 3. Last evaluated: 2024-04-17. Review status: criteria provided, single submitter. Criteria: Invitae Variant Classification Sherloc (09022015). Collection method: clinical testing. Allele origin: germline.
Comment: This sequence change falls in intron 5 of the RTEL1 gene. It does not directly change the encoded amino acid sequence of the RTEL1 protein. It affects a nucleotide within the consensus splice site. This variant is not present in population databases (gnomAD no frequency). This variant has not been reported in the literature in individuals affected with RTEL1-related conditions. ClinVar contains an entry for this variant (Variation ID: 1027292). Variants that disrupt the consensus splice site are a relatively common cause of aberrant splicing (PMID: 17576681, 9536098). Algorithms developed to predict the effect of sequence changes on RNA splicing suggest that this variant is not likely to affect RNA splicing. In summary, the available evidence is currently insufficient to determine the role of this variant in disease. Therefore, it has been classified as a Variant of Uncertain Significance.

Natera, Inc.
Classification: Uncertain significance for Dyskeratosis congenita. Last evaluated: 2020-07-20. Review status: no assertion criteria provided. Collection method: clinical testing. Allele origin: germline. Not counted in ClinVar's aggregate classification.

Literature cited by the submitters: PubMed 17576681 (cited by Labcorp Genetics (formerly Invitae), Labcorp); PubMed 9536098 (cited by Labcorp Genetics (formerly Invitae), Labcorp).